The following is an entry in ClinVar:

NM_000091.5(COL4A3):c.672A>G (p.Gly224=)

Genes: COL4A3 (collagen type IV alpha 3 chain; plus strand), MFF-DT (MFF divergent transcript; minus strand). Cytogenetic location: 2q36.3.
Variant type: single nucleotide variant.
Coding change: c.672A>G on transcript NM_000091.5 (MANE Select); coding-DNA position 672, A replaced by G.
Protein change: p.Gly224=; no amino-acid change (glycine 224 retained).
Molecular consequence: synonymous variant.
Genome position (GRCh38, 1-based): chr2:227,253,322, A>G. VCF-style: chr2-227253322-A-G. GRCh37 (hg19) VCF-style: chr2-228118038-A-G.
Other names: c.672A>G (NM_000091.4).
Identifiers: ClinVar variation 1100407 (VCV001100407.9), dbSNP rs375059614, ClinGen allele CA2146259.
Genomic context (GRCh38, chr2:227,253,322, plus strand): 5'-TTAGAAAATAATTTGGTTTTGTGTTTTCTTACAGGGTCACATGGGTGAAAGAGTGATAGG[A>G]CATAAAGGAGAGCGGGTAATTTAAATACTATGTTTTATTAGCAGGCGAGATATTTTATGT-3'
Protein context (NP_000082.2, residues 214-234): PKGHMGERVI[Gly224=]HKGERGVKGL

ClinVar aggregate classification (germline): Conflicting classifications of pathogenicity. Review status: criteria provided, conflicting classifications (1 of 4 stars). 2 submissions from 2 submitters: Uncertain significance (1); Likely benign (1). Last evaluated 2025-07-31.

Allele frequency attached by ClinVar (database versions not stated): gnomAD exomes 0.00001; ExAC 0.00002; gnomAD 0.00004; TOPMed 0.00007; ESP Exome Variant Server 0.00009; 1000 Genomes Project 0.00020; 1000 Genomes Project 30x 0.00031.

Submissions (2):

Labcorp Genetics (formerly Invitae), Labcorp
Classification: Likely benign. Last evaluated: 2025-07-31. Review status: criteria provided, single submitter. Criteria: Invitae Variant Classification Sherloc (09022015). Collection method: clinical testing. Allele origin: germline.

GeneDx
Classification: Uncertain significance. Last evaluated: 2023-03-02. Review status: criteria provided, single submitter. Criteria: GeneDx Variant Classification Process June 2021. Collection method: clinical testing. Allele origin: germline. Affected: yes.
Comment: Has not been previously published as pathogenic or benign to our knowledge; In silico analysis is inconclusive as to whether the variant alters gene splicing. In the absence of RNA/functional studies, the actual effect of this sequence change is unknown.